The following is an entry in ClinVar:

NM_030912.3(TRIM8):c.295C>T (p.Pro99Ser)

Gene: TRIM8 (tripartite motif containing 8; plus strand). Cytogenetic location: 10q24.32.
Variant type: single nucleotide variant.
Coding change: c.295C>T on transcript NM_030912.3 (MANE Select); coding-DNA position 295, C replaced by T.
Protein change: p.Pro99Ser; replaces proline 99 with serine.
Molecular consequence: missense variant. On other transcripts: non-coding transcript variant (1).
Genome position (GRCh38, 1-based): chr10:102,644,912, C>T. VCF-style: chr10-102644912-C-T. GRCh37 (hg19) VCF-style: chr10-104404669-C-T.
Other names: c.295C>T, p.Pro99Ser (NM_001345950.1); short protein forms P99S.
Identifiers: ClinVar variation 2829247 (VCV002829247.3), dbSNP rs562048550, ClinGen allele CA212260244.
Genomic context (GRCh38, chr10:102,644,912, plus strand): 5'-AATGCCCTGCACGTGGAGAAGCCGCCGGCGGCGCTGCACTGCGTGTTCTGCCGCCGCGGC[C>T]CCCCGCTGCCCGCGCAGAAGGTCTGCCTGCGCTGCGAGGCGCCCTGCTGCCAGTCCCACG-3'
Protein context (NP_112174.2, residues 89-109): ALHCVFCRRG[Pro99Ser]PLPAQKVCLR

ClinVar aggregate classification (germline): Uncertain significance (1 of 4 stars; one submission).

Allele frequency attached by ClinVar (database versions not stated): 1000 Genomes Project 30x 0.00016; 1000 Genomes Project 0.00020.

Submission:

Labcorp Genetics (formerly Invitae), Labcorp
Classification: Uncertain significance. Last evaluated: 2023-02-19. Review status: criteria provided, single submitter. Criteria: Invitae Variant Classification Sherloc (09022015). Collection method: clinical testing. Allele origin: germline.
Comment: This sequence change replaces proline, which is neutral and non-polar, with serine, which is neutral and polar, at codon 99 of the TRIM8 protein (p.Pro99Ser). This variant is not present in population databases (gnomAD no frequency). This variant has not been reported in the literature in individuals affected with TRIM8-related conditions. An algorithm developed to predict the effect of missense changes on protein structure and function (PolyPhen-2) suggests that this variant is likely to be disruptive. In summary, the available evidence is currently insufficient to determine the role of this variant in disease. Therefore, it has been classified as a Variant of Uncertain Significance.